The following is an entry in ClinVar:

ClinVar aggregate classification (germline): Uncertain significance. Review status: criteria provided, multiple submitters, no conflicts (2 of 4 stars). 3 submissions from 3 submitters: Uncertain significance (3). Last evaluated 2026-04-28.

Conditions:
Polycystic kidney disease, adult type (PKD1). Also called: Polycystic Kidney Disease 1, Autosomal Dominant; Polycystic kidney disease 1; Polycystic kidney disease 1, severe; Polycystic Kidney, Autosomal Dominant; POLYCYSTIC KIDNEY DISEASE 1 WITH OR WITHOUT POLYCYSTIC LIVER DISEASE; POLYCYSTIC KIDNEY DISEASE, ADULT, TYPE I. Identifiers: MedGen C3149841, MONDO:0008263, OMIM 173900.
Inborn genetic diseases. Identifiers: MedGen C0950123, MeSH D030342.

Allele frequency attached by ClinVar (database versions not stated): ExAC 0.00007; TOPMed 0.00008; gnomAD 0.00009; gnomAD exomes 0.00030.
gnomAD v4.1: 436 of 1,596,830 alleles (0.027%); highest among the groups gnomAD compares: Non-Finnish European, 0.035%; no homozygotes.

Submissions (3):

Women's Health and Genetics/Laboratory Corporation of America, LabCorp
Classification: Uncertain significance. Last evaluated: 2026-04-28. Review status: criteria provided, single submitter. Criteria: LabCorp Variant Classification Summary - May 2015. Collection method: clinical testing. Allele origin: germline.
Comment: Variant summary: PKD1 c.2548G>A (p.Asp850Asn) results in a conservative amino acid change in the encoded protein sequence. Algorithms developed to predict the effect of missense changes on protein structure and function all suggest that this variant is likely to be tolerated. The variant allele was found at a frequency of 5.6e-05 in 230992 control chromosomes. This frequency is not significantly higher than estimated for disease-causing variants in PKD1, allowing no conclusion about variant significance. To our knowledge, no occurrence of c.2548G>A in individuals affected with PKD1-related conditions and no experimental evidence demonstrating its impact on protein function have been reported. ClinVar contains an entry for this variant (Variation ID: 2405961). Based on the evidence outlined above, the variant was classified as uncertain significance.

Department of Pathology and Laboratory Medicine, Sinai Health System
Classification: Uncertain significance for Polycystic kidney disease, adult type. Last evaluated: 2024-01-30. Review status: criteria provided, single submitter. Criteria: ACMG Guidelines, 2015. Collection method: clinical testing. Allele origin: germline. Affected: yes.

Ambry Genetics
Classification: Uncertain significance for Inborn genetic diseases. Last evaluated: 2021-07-06. Review status: criteria provided, single submitter. Criteria: Ambry Variant Classification Scheme 2023. Collection method: clinical testing. Allele origin: germline.

NM_001009944.3(PKD1):c.2548G>A (p.Asp850Asn)

Gene: PKD1 (polycystin 1, transient receptor potential channel interacting; minus strand). Cytogenetic location: 16p13.3.
Variant type: single nucleotide variant.
Coding change: c.2548G>A on transcript NM_001009944.3 (MANE Select); coding-DNA position 2548, G replaced by A.
Protein change: p.Asp850Asn; replaces aspartic acid 850 with asparagine.
Molecular consequence: missense variant.
Genome position (GRCh38, 1-based): chr16:2,114,475, C>T on the plus strand (G>A on the coding strand, the complement: PKD1 is on the minus strand). VCF-style: chr16-2114475-C-T. GRCh37 (hg19) VCF-style: chr16-2164476-C-T.
Other names: c.2548G>A, p.Asp850Asn (NM_000296.4); short protein forms D850N.
Identifiers: ClinVar variation 2405961 (VCV002405961.4), dbSNP rs756092510, ClinGen allele CA7833173.